The following is an entry in ClinVar:

ClinVar aggregate classification (germline): Pathogenic (1 of 4 stars; one submission).

Conditions:
Hereditary cancer-predisposing syndrome. Also called: Neoplastic Syndromes, Hereditary; Hereditary Cancer Syndrome; Hereditary neoplastic syndrome; Tumor predisposition. Identifiers: Orphanet 140162, MedGen C0027672, MeSH D009386, MONDO:0015356.

Submission:

Ambry Genetics
Classification: Pathogenic for Hereditary cancer-predisposing syndrome. Last evaluated: 2023-06-06. Review status: criteria provided, single submitter. Criteria: Ambry Variant Classification Scheme 2023. Collection method: clinical testing. Allele origin: germline.
Comment: The c.696_697delTTinsC pathogenic mutation, located in coding exon 8 of the BRCA2 gene, results from the deletion of two nucleotides and insertion of one nucleotide causing a translational frameshift with a predicted alternate stop codon (p.S234Pfs*7). This variant is considered to be rare based on population cohorts in the Genome Aggregation Database (gnomAD). This alteration is expected to result in loss of function by premature protein truncation or nonsense-mediated mRNA decay. As such, this alteration is interpreted as a disease-causing mutation.

NM_000059.4(BRCA2):c.696_697delinsC (p.Ser234fs)

Gene: BRCA2 (BRCA2 DNA repair associated; plus strand). Cytogenetic location: 13q13.1.
Variant type: Indel.
Coding change: c.696_697delinsC on transcript NM_000059.4 (MANE Select); coding-DNA positions 696 to 697, TT replaced by C.
Protein change: p.Ser234fs; shifts the reading frame from serine 234.
Molecular consequence: frameshift variant. On other transcripts: non-coding transcript variant (1).
Genome position (GRCh38, 1-based): chr13:32,330,933-32,330,934, TT replaced by C. VCF-style: chr13-32330933-TT-C. GRCh37 (hg19) VCF-style: chr13-32905070-TT-C.
Other names: c.696_697delinsC, p.Ser234fs (NM_001406719.1, NM_001406720.1, NM_001406721.1); c.327_328delinsC, p.Ser111fs (NM_001406722.1); short protein forms S234fs, S111fs.
Identifiers: ClinVar variation 2566038 (VCV002566038.2), dbSNP rs2548517877, ClinGen allele CA2580614646.